The following is an entry in ClinVar:

ClinVar aggregate classification (germline): Likely benign (0 of 4 stars; one submission).

Conditions:
DAAM2-related disorder. Also called: DAAM2-related condition.

Allele frequency attached by ClinVar (database versions not stated): TOPMed 0.00009; gnomAD 0.00015; gnomAD exomes 0.00032; ExAC 0.00055; 1000 Genomes Project 0.00080; 1000 Genomes Project 30x 0.00109.
gnomAD v4.1: 477 of 1,522,718 alleles (0.031%); highest among the groups gnomAD compares: South Asian, 0.29%; no homozygotes.

Submission:

PreventionGenetics, part of Exact Sciences
Classification: Likely benign for DAAM2-related condition. Last evaluated: 2022-12-20. Review status: no assertion criteria provided. Collection method: clinical testing. Allele origin: germline.
Comment: This variant is classified as likely benign based on ACMG/AMP sequence variant interpretation guidelines (Richards et al. 2015 PMID: 25741868, with internal and published modifications).

NM_001201427.2(DAAM2):c.2983-4G>A

Gene: DAAM2 (dishevelled associated activator of morphogenesis 2; plus strand). Cytogenetic location: 6p21.2.
Variant type: single nucleotide variant.
Coding change: c.2983-4G>A on transcript NM_001201427.2 (MANE Select); 4 bases into the intron before coding-DNA position 2983, G replaced by A.
Molecular consequence: intron variant.
Genome position (GRCh38, 1-based): chr6:39,901,809, G>A. VCF-style: chr6-39901809-G-A. GRCh37 (hg19) VCF-style: chr6-39869585-G-A.
Other names: c.2980-4G>A (NM_015345.4).
Identifiers: ClinVar variation 3039434 (VCV003039434.2), dbSNP rs557140121, ClinGen allele CA3795508.